The following is an entry in ClinVar:

NM_024301.5(FKRP):c.1016G>A (p.Arg339His)

Gene: FKRP (fukutin related protein; plus strand). Cytogenetic location: 19q13.32.
Variant type: single nucleotide variant.
Coding change: c.1016G>A on transcript NM_024301.5 (MANE Select); coding-DNA position 1016, G replaced by A.
Protein change: p.Arg339His; replaces arginine 339 with histidine.
Molecular consequence: missense variant.
Genome position (GRCh38, 1-based): chr19:46,756,466, G>A. VCF-style: chr19-46756466-G-A. GRCh37 (hg19) VCF-style: chr19-47259723-G-A.
Other names: c.1016G>A, p.Arg339His (NM_001039885.3); short protein forms R339H.
Identifiers: ClinVar variation 558504 (VCV000558504.13), dbSNP rs1450841129, ClinGen allele CA406496474.

ClinVar aggregate classification (germline): Conflicting classifications of pathogenicity. Review status: criteria provided, conflicting classifications (1 of 4 stars). 5 submissions from 5 submitters: Likely pathogenic (2); Uncertain significance (2). 1 of the submissions does not count toward it. Last evaluated 2025-11-14.

Conditions:
Cardiovascular phenotype. Identifiers: MedGen CN230736.
Walker-Warburg congenital muscular dystrophy. Also called: Muscular dystrophy-dystroglycanopathy, type A; Walker-Warburg syndrome. Identifiers: Orphanet 899, MedGen C0265221, MONDO:0000171.
Autosomal recessive limb-girdle muscular dystrophy type 2I. Also called: MUSCULAR DYSTROPHY-DYSTROGLYCANOPATHY, LIMB-GIRDLE, FRKP-RELATED; MUSCULAR DYSTROPHY-DYSTROGLYCANOPATHY (LIMB-GIRDLE), TYPE C, 5; MUSCULAR DYSTROPHY, LIMB-GIRDLE, TYPE 2I. Identifiers: Orphanet 34515, MedGen C1846672, MONDO:0011787, OMIM 607155.

gnomAD v4.1: 7 of 1,579,682 alleles (0.00044%); highest among the groups gnomAD compares: Non-Finnish European, 0.0006%; no homozygotes.

Submissions (5):

Women's Health and Genetics/Laboratory Corporation of America, LabCorp
Classification: Uncertain significance. Last evaluated: 2025-11-14. Review status: criteria provided, single submitter. Criteria: LabCorp Variant Classification Summary - May 2015. Collection method: clinical testing. Allele origin: germline.
Comment: Variant summary: FKRP c.1016G>A (p.Arg339His) results in a non-conservative amino acid change in the encoded protein sequence. Algorithms developed to predict the effect of missense changes on protein structure and function all suggest that this variant is likely to be disruptive. The variant was absent in 192488 control chromosomes. The available data on variant occurrences in the general population are insufficient to allow any conclusion about variant significance. c.1016G>A has been observed in an individual affected with Limb-Girdle Muscular Dystrophy, Autosomal Recessive (2001, Brown_2004, Mercuri_2003). These data do not allow any conclusion about variant significance. To our knowledge, no experimental evidence demonstrating an impact on protein function has been reported. The following publications have been ascertained in the context of this evaluation (PMID: 11592034, 14742276, 12666124, 28688748). ClinVar contains an entry for this variant (Variation ID: 558504). Based on the evidence outlined above, the variant was classified as uncertain significance.

Labcorp Genetics (formerly Invitae), Labcorp
Classification: Likely pathogenic for Walker-Warburg congenital muscular dystrophy. Last evaluated: 2025-02-12. Review status: criteria provided, single submitter. Criteria: Invitae Variant Classification Sherloc (09022015). Collection method: clinical testing. Allele origin: germline.
Comment: This sequence change replaces arginine, which is basic and polar, with histidine, which is basic and polar, at codon 339 of the FKRP protein (p.Arg339His). This variant is not present in population databases (gnomAD no frequency). This missense change has been observed in individual(s) with congenital muscular dystrophy and/or limb-girdle muscular dystrophy (PMID: 14742276, 28688748). ClinVar contains an entry for this variant (Variation ID: 558504). Invitae Evidence Modeling of protein sequence and biophysical properties (such as structural, functional, and spatial information, amino acid conservation, physicochemical variation, residue mobility, and thermodynamic stability) indicates that this missense variant is expected to disrupt FKRP protein function with a positive predictive value of 95%. In summary, the currently available evidence indicates that the variant is pathogenic, but additional data are needed to prove that conclusively. Therefore, this variant has been classified as Likely Pathogenic.

Ambry Genetics
Classification: Likely pathogenic for Cardiovascular phenotype. Last evaluated: 2022-03-15. Review status: criteria provided, single submitter. Criteria: Ambry Variant Classification Scheme 2023. Collection method: clinical testing. Allele origin: germline.
Comment: The p.R339H variant (also known as c.1016G>A), located in coding exon 1 of the FKRP gene, results from a G to A substitution at nucleotide position 1016. The arginine at codon 339 is replaced by histidine, an amino acid with highly similar properties. This variant has been detected in the compound heterozygous state with a frameshift variant and a known pathogenic variant in FKRP in individuals reported to have muscular dystrophy phenotypes (Brockington M et al. Am J Hum Genet, 2001 Dec;69:1198-209; Carlson CR et al. Neurology, 2017 Dec;89:2374-2380; Sframeli M et al. Neuromuscul Disord, 2017 Sep;27:793-803; Murphy LB et al. Ann Clin Transl Neurol, 2020 05;7:757-766). This variant is considered to be rare based on population cohorts in the Genome Aggregation Database (gnomAD). This amino acid position is highly conserved in available vertebrate species. In addition, this alteration is predicted to be deleterious by in silico analysis. Based on the majority of available evidence to date, this variant is likely to be pathogenic.

Eurofins Ntd Llc (ga)
Classification: Uncertain significance. Last evaluated: 2018-09-12. Review status: criteria provided, single submitter. Criteria: EGL ClinVar v180209 classification definitions. Collection method: clinical testing. Allele origin: germline. Observed: 1 variant allele, 1 heterozygote.

Counsyl
Classification: Uncertain significance for Autosomal recessive limb-girdle muscular dystrophy type 2I. Last evaluated: 2018-05-23. Review status: no assertion criteria provided. Collection method: clinical testing. Allele origin: unknown. Not counted in ClinVar's aggregate classification.

Literature cited by the submitters: PubMed 28688748 (cited by 4 submitters); PubMed 12666124 (cited by 3 submitters); PubMed 11592034 (cited by Women's Health and Genetics/Laboratory Corporation of America, LabCorp and Ambry Genetics); PubMed 14742276 (cited by Women's Health and Genetics/Laboratory Corporation of America, LabCorp and Labcorp Genetics (formerly Invitae), Labcorp); PubMed 11741828 (cited by Ambry Genetics); PubMed 26986070 (cited by Ambry Genetics); PubMed 29101272 (cited by Ambry Genetics); PubMed 32342672 (cited by Ambry Genetics).